The following is an entry in ClinVar:

ClinVar aggregate classification (germline): Conflicting classifications of pathogenicity. Review status: criteria provided, conflicting classifications (1 of 4 stars). 2 submissions from 2 submitters: Uncertain significance (1); Likely benign (1). Last evaluated 2025-12-27.

Allele frequency attached by ClinVar (database versions not stated): gnomAD exomes 0.00003; gnomAD 0.00004; ExAC 0.00006; TOPMed 0.00006.
gnomAD v4.1: 52 of 1,613,904 alleles (0.0032%); highest among the groups gnomAD compares: Middle Eastern, 0.066%; 1 homozygote.

Submissions (2):

Labcorp Genetics (formerly Invitae), Labcorp
Classification: Uncertain significance. Last evaluated: 2025-12-27. Review status: criteria provided, single submitter. Criteria: Invitae Variant Classification Sherloc (09022015). Collection method: clinical testing. Allele origin: germline.
Comment: This sequence change replaces arginine, which is basic and polar, with histidine, which is basic and polar, at codon 2585 of the FBN3 protein (p.Arg2585His). This variant is present in population databases (rs775168991, gnomAD 0.05%). This variant has not been reported in the literature in individuals affected with FBN3-related conditions. ClinVar contains an entry for this variant (Variation ID: 2177032). An algorithm developed to predict the effect of missense changes on protein structure and function outputs the following: PolyPhen-2: "Benign". The histidine amino acid residue is found in multiple mammalian species, which suggests that this missense change does not adversely affect protein function. In summary, the available evidence is currently insufficient to determine the role of this variant in disease. Therefore, it has been classified as a Variant of Uncertain Significance.

Ambry Genetics
Classification: Likely benign. Last evaluated: 2021-08-23. Review status: criteria provided, single submitter. Criteria: Ambry Variant Classification Scheme 2023. Collection method: clinical testing. Allele origin: germline.

NM_032447.5(FBN3):c.7754G>A (p.Arg2585His)

Gene: FBN3 (fibrillin 3; minus strand). Cytogenetic location: 19p13.2.
Variant type: single nucleotide variant.
Coding change: c.7754G>A on transcript NM_032447.5 (MANE Select); coding-DNA position 7754, G replaced by A.
Protein change: p.Arg2585His; replaces arginine 2585 with histidine.
Molecular consequence: missense variant.
Genome position (GRCh38, 1-based): chr19:8,073,246, C>T on the plus strand (G>A on the coding strand, the complement: FBN3 is on the minus strand). VCF-style: chr19-8073246-C-T. GRCh37 (hg19) VCF-style: chr19-8138130-C-T.
Other names: c.7754G>A (NM_032447.3); c.7754G>A, p.Arg2585His (NM_001321431.2); short protein forms R2585H.
Identifiers: ClinVar variation 2177032 (VCV002177032.5), dbSNP rs775168991, ClinGen allele CA9150745.